The following is an entry in ClinVar:

ClinVar aggregate classification (germline): Uncertain significance (1 of 4 stars; one submission).

Conditions:
Kleefstra syndrome 1 (KLEFS1). Identifiers: Orphanet 261494, MedGen C0795833, MONDO:0027407, OMIM 610253.

Allele frequency attached by ClinVar (database versions not stated): TOPMed below 0.00001; gnomAD 0.00001; gnomAD exomes 0.00001.
gnomAD v4.1: 9 of 1,613,108 alleles (0.00056%); highest among the groups gnomAD compares: East Asian, 0.0089%; no homozygotes.

Submission:

Labcorp Genetics (formerly Invitae), Labcorp
Classification: Uncertain significance for Kleefstra syndrome 1. Last evaluated: 2023-06-19. Review status: criteria provided, single submitter. Criteria: Invitae Variant Classification Sherloc (09022015). Collection method: clinical testing. Allele origin: germline.
Comment: ClinVar contains an entry for this variant (Variation ID: 1044944). An algorithm developed to predict the effect of missense changes on protein structure and function (PolyPhen-2) suggests that this variant is likely to be disruptive. In summary, the available evidence is currently insufficient to determine the role of this variant in disease. Therefore, it has been classified as a Variant of Uncertain Significance. This variant has not been reported in the literature in individuals affected with EHMT1-related conditions. This sequence change replaces proline, which is neutral and non-polar, with leucine, which is neutral and non-polar, at codon 81 of the EHMT1 protein (p.Pro81Leu). This variant is not present in population databases (gnomAD no frequency).

NM_024757.5(EHMT1):c.242C>T (p.Pro81Leu)

Gene: EHMT1 (euchromatic histone lysine methyltransferase 1; plus strand). Cytogenetic location: 9q34.3.
Variant type: single nucleotide variant.
Coding change: c.242C>T on transcript NM_024757.5 (MANE Select); coding-DNA position 242, C replaced by T.
Protein change: p.Pro81Leu; replaces proline 81 with leucine.
Molecular consequence: missense variant.
Genome position (GRCh38, 1-based): chr9:137,716,782, C>T. VCF-style: chr9-137716782-C-T. GRCh37 (hg19) VCF-style: chr9-140611234-C-T.
Other names: c.242C>T, p.Pro81Leu (NM_001145527.2, NM_001354263.2, NM_001354611.2); c.149C>T, p.Pro50Leu (NM_001354259.2, NM_001354612.2); short protein forms P50L, P81L.
Identifiers: ClinVar variation 1044944 (VCV001044944.9), dbSNP rs1191067584, ClinGen allele CA375763597.